The following is an entry in ClinVar:

ClinVar aggregate classification (germline): Likely benign. Review status: criteria provided, multiple submitters, no conflicts (2 of 4 stars). 2 submissions from 2 submitters: Likely benign (2). Last evaluated 2026-04-26.

Conditions:
MPDZ-related disorder. Also called: MPDZ-related condition.

Allele frequency attached by ClinVar (database versions not stated): ExAC 0.00008; gnomAD exomes 0.00008; gnomAD 0.00010 and 0.00012; TOPMed 0.00012.
gnomAD v4.1: 144 of 1,613,588 alleles (0.0089%); highest among the groups gnomAD compares: Middle Eastern, 0.13%; 1 homozygote.

Submissions (2):

PreventionGenetics, part of Exact Sciences
Classification: Likely benign for MPDZ-related condition. Last evaluated: 2026-04-26. Review status: criteria provided, single submitter. Criteria: ACMG Guidelines, 2015. Collection method: clinical testing. Allele origin: germline.
Comment: This variant is classified as likely benign based on ACMG/AMP sequence variant interpretation guidelines (Richards et al. 2015 PMID: 25741868, with internal and published modifications).

Labcorp Genetics (formerly Invitae), Labcorp
Classification: Likely benign. Last evaluated: 2025-10-14. Review status: criteria provided, single submitter. Criteria: Invitae Variant Classification Sherloc (09022015). Collection method: clinical testing. Allele origin: germline.

NM_001378778.1(MPDZ):c.3210A>G (p.Ala1070=)

Gene: MPDZ (multiple PDZ domain crumbs cell polarity complex component; minus strand). Cytogenetic location: 9p23.
Variant type: single nucleotide variant.
Coding change: c.3210A>G on transcript NM_001378778.1 (MANE Select); coding-DNA position 3210, A replaced by G.
Protein change: p.Ala1070=; no amino-acid change (alanine 1070 retained).
Molecular consequence: synonymous variant.
Genome position (GRCh38, 1-based): chr9:13,168,410, T>C on the plus strand (A>G on the coding strand, the complement: MPDZ is on the minus strand). VCF-style: chr9-13168410-T-C. GRCh37 (hg19) VCF-style: chr9-13168409-T-C.
Other names: c.3210A>G, p.Ala1070= (NM_001261406.2, NM_001261407.2, NM_001330637.2 and 14 more transcripts).
Identifiers: ClinVar variation 734226 (VCV000734226.9), dbSNP rs761011640, ClinGen allele CA4987226.